The following is an entry in ClinVar:

NM_005529.7(HSPG2):c.10113G>A (p.Val3371=)

Gene: HSPG2 (heparan sulfate proteoglycan 2; minus strand). Cytogenetic location: 1p36.12.
Variant type: single nucleotide variant.
Coding change: c.10113G>A on transcript NM_005529.7 (MANE Select); coding-DNA position 10113, G replaced by A.
Protein change: p.Val3371=; no amino-acid change (valine 3371 retained).
Molecular consequence: synonymous variant.
Genome position (GRCh38, 1-based): chr1:21,838,862, C>T on the plus strand (G>A on the coding strand, the complement: HSPG2 is on the minus strand). VCF-style: chr1-21838862-C-T. GRCh37 (hg19) VCF-style: chr1-22165355-C-T.
Other names: c.10116G>A, p.Val3372= (NM_001291860.2).
Identifiers: ClinVar variation 5018300 (VCV005018300.1).

ClinVar aggregate classification (germline): Uncertain significance (1 of 4 stars; one submission).

Submission:

GeneDx
Classification: Uncertain significance. Last evaluated: 2026-04-11. Review status: criteria provided, single submitter. Criteria: GeneDx Variant Classification Process June 2021. Collection method: clinical testing. Allele origin: germline.
Comment: Not observed at significant frequency in large population cohorts (gnomAD); In silico analysis supports a deleterious effect on splicing; Has not been previously published as pathogenic or benign to our knowledge